The following is an entry in ClinVar:

NM_000426.4(LAMA2):c.2527C>G (p.Arg843Gly)

Gene: LAMA2 (laminin subunit alpha 2; plus strand). Cytogenetic location: 6q22.33.
Variant type: single nucleotide variant.
Coding change: c.2527C>G on transcript NM_000426.4 (MANE Select); coding-DNA position 2527, C replaced by G.
Protein change: p.Arg843Gly; replaces arginine 843 with glycine.
Molecular consequence: missense variant.
Genome position (GRCh38, 1-based): chr6:129,280,137, C>G. VCF-style: chr6-129280137-C-G. GRCh37 (hg19) VCF-style: chr6-129601282-C-G.
Other names: c.2527C>G, p.Arg843Gly (NM_001079823.2); short protein forms R843G.
Identifiers: ClinVar variation 1443794 (VCV001443794.8), dbSNP rs769493998, ClinGen allele CA365609427.

ClinVar aggregate classification (germline): Uncertain significance (1 of 4 stars; one submission).

Conditions:
LAMA2-related muscular dystrophy (LAMA2-RD). Also called: Laminin alpha 2-related dystrophy. Identifiers: MedGen C5679788, MONDO:0100228.

Submission:

Labcorp Genetics (formerly Invitae), Labcorp
Classification: Uncertain significance for LAMA2-related muscular dystrophy. Last evaluated: 2021-06-30. Review status: criteria provided, single submitter. Criteria: Invitae Variant Classification Sherloc (09022015). Collection method: clinical testing. Allele origin: germline.
Comment: This sequence change replaces arginine with glycine at codon 843 of the LAMA2 protein (p.Arg843Gly). The arginine residue is moderately conserved and there is a moderate physicochemical difference between arginine and glycine. This variant is not present in population databases (ExAC no frequency). This variant has not been reported in the literature in individuals affected with LAMA2-related conditions. Advanced modeling of protein sequence and biophysical properties (such as structural, functional, and spatial information, amino acid conservation, physicochemical variation, residue mobility, and thermodynamic stability) performed at Invitae indicates that this missense variant is not expected to disrupt LAMA2 protein function. In summary, the available evidence is currently insufficient to determine the role of this variant in disease. Therefore, it has been classified as a Variant of Uncertain Significance.